The following is an entry in ClinVar:

ClinVar aggregate classification (germline): Uncertain significance (1 of 4 stars; one submission).

Submission:

Labcorp Genetics (formerly Invitae), Labcorp
Classification: Uncertain significance. Last evaluated: 2022-02-25. Review status: criteria provided, single submitter. Criteria: Invitae Variant Classification Sherloc (09022015). Collection method: clinical testing. Allele origin: germline.
Comment: In summary, the available evidence is currently insufficient to determine the role of this variant in disease. Therefore, it has been classified as a Variant of Uncertain Significance. Experimental studies and prediction algorithms are not available or were not evaluated, and the functional significance of this variant is currently unknown. This variant has not been reported in the literature in individuals affected with IMPG2-related conditions. This variant is a gross deletion of the genomic region encompassing exon(s) 17-19 of the IMPG2 gene, which includes the termination codon. This deletion extends beyond the assayed region for this gene and therefore may encompass additional genes. While this deletion is not anticipated to lead to nonsense mediated decay, it is expected to alter mRNA translation or result in a truncated protein product.

NC_000003.11:g.(?_100945813)_(100948454_?)del

Gene: IMPG2 (interphotoreceptor matrix proteoglycan 2; minus strand). Cytogenetic location: 3q12.3.
Variant type: Deletion.
Identifiers: ClinVar variation 2426286 (VCV002426286.4).